The following is an entry in ClinVar:

NM_020433.5(JPH2):c.1755C>G (p.Pro585=)

Gene: JPH2 (junctophilin 2; minus strand). Cytogenetic location: 20q13.12.
Variant type: single nucleotide variant.
Coding change: c.1755C>G on transcript NM_020433.5 (MANE Select); coding-DNA position 1755, C replaced by G.
Protein change: p.Pro585=; no amino-acid change (proline 585 retained).
Molecular consequence: synonymous variant.
Genome position (GRCh38, 1-based): chr20:44,115,920, G>C on the plus strand (C>G on the coding strand, the complement: JPH2 is on the minus strand). VCF-style: chr20-44115920-G-C. GRCh37 (hg19) VCF-style: chr20-42744560-G-C.
Identifiers: ClinVar variation 4853478 (VCV004853478.1).

ClinVar aggregate classification (germline): Likely benign (1 of 4 stars; one submission).

gnomAD v4.1: 8 of 1,570,816 alleles (0.00051%); highest among the groups gnomAD compares: Admixed American, 0.009%; no homozygotes.

Submission:

Women's Health and Genetics/Laboratory Corporation of America, LabCorp
Classification: Likely benign. Last evaluated: 2026-05-07. Review status: criteria provided, single submitter. Criteria: LabCorp Variant Classification Summary - May 2015. Collection method: clinical testing. Allele origin: germline.
Comment: Variant summary: JPH2 c.1755C>G alters a non-conserved nucleotide resulting in a synonymous change. Consensus agreement among computation tools predict no significant impact on normal splicing. However, these predictions have yet to be confirmed by functional studies. The variant allele was found at a frequency of 2.3e-05 in 175184 control chromosomes. The available data on variant occurrences in the general population are insufficient to allow any conclusion about variant significance. To our knowledge, no occurrence of c.1755C>G in individuals affected with JPH2-related conditions and no experimental evidence demonstrating its impact on protein function have been reported. No submitters have cited clinical-significance assessments for this variant to ClinVar. Based on the evidence outlined above, the variant was classified as likely benign.